The following is an entry in ClinVar:

NM_000321.3(RB1):c.1960+1316_2107-767del

Gene: RB1 (RB transcriptional corepressor 1; plus strand). Cytogenetic location: 13q14.2.
Variant type: Deletion.
Coding change: c.1960+1316_2107-767del on transcript NM_000321.3 (MANE Select); 1316 bases into the intron after coding-DNA position 1960 through 767 bases into the intron before coding-DNA position 2107, 5,300 bases deleted.
Molecular consequence: splice acceptor variant, splice donor variant.
Genome position (GRCh38, 1-based): chr13:48,457,665-48,462,964, 5,300 bases deleted. GRCh37 (hg19): chr13:49,031,801-49,037,100.
Other names: c.1960+1316_2107-767del (NM_001407165.1).
Identifiers: ClinVar variation 2663977 (VCV002663977.1), ClinGen allele CA2695199742.

ClinVar aggregate classification (germline): Pathogenic (1 of 4 stars; one submission).

Conditions:
Retinoblastoma (RB1). Also called: RETINOBLASTOMA, SOMATIC. Identifiers: Orphanet 790, MedGen C0035335, MeSH D012175, MONDO:0008380, OMIM 180200, HP:0009919. Disease mechanism: loss of function. Inheritance: Both sporadic and heritable forms are tested..

Submission:

St. Jude Molecular Pathology, St. Jude Children's Research Hospital
Classification: Pathogenic for Retinoblastoma. Last evaluated: 2023-11-13. Review status: criteria provided, single submitter. Criteria: St. Jude Assertion Criteria 2020. Collection method: clinical testing. Allele origin: germline. Affected: yes.
Comment: The RB1 c.1960+1316_2107-767del variant is a gross deletion of the genomic region encompassing exon 20 of the RB1 gene. The 5' end is confined to intron 19. The 3' end of this event is confined to intron 20. This deletion is expected to result in an absent or disrupted protein product. Deletions of this region have been reported in individuals with retinoblastoma (PMID: 15884040, 18181215, internal data). In summary, this variant meets criteria to be classified as pathogenic.